The following is an entry in ClinVar:

ClinVar aggregate classification (germline): Uncertain significance. Review status: criteria provided, multiple submitters, no conflicts (2 of 4 stars). 8 submissions from 8 submitters: Uncertain significance (8). Last evaluated 2026-07-20.

Conditions:
SDHA-related disorder. Also called: SDHA-related condition; SDHA-related disorders.
Dilated cardiomyopathy 1GG (CMD1GG). Identifiers: Orphanet 154, MedGen C3150898, MONDO:0013339, OMIM 613642.
Hereditary cancer-predisposing syndrome. Also called: Neoplastic Syndromes, Hereditary; Tumor predisposition; Hereditary Cancer Syndrome; Hereditary neoplastic syndrome. Identifiers: Orphanet 140162, MedGen C0027672, MeSH D009386, MONDO:0015356.
Mitochondrial complex II deficiency, nuclear type 1. Also called: SUCCINATE CoQ REDUCTASE DEFICIENCY. Identifiers: Orphanet 3208, MedGen C5700310, MONDO:0100294, OMIM 252011.
Pheochromocytoma/paraganglioma syndrome 5. Also called: Paragangliomas 5; SDHA-Related Hereditary Paraganglioma-Pheochromocytoma Syndrome. Identifiers: Orphanet 29072, MedGen C3279992, MONDO:0013602, OMIM 614165.
Leigh syndrome (NULS). Also called: Leigh's syndrome; Leigh Disease; Leigh Syndrome (mtDNA deletion); Leigh's necrotizing encephalopathy; Leigh's disease; LEIGH SYNDROME, NUCLEAR. Identifiers: Orphanet 506, MedGen C2931891, MONDO:0009723, OMIM 256000.

Allele frequency attached by ClinVar (database versions not stated): ESP Exome Variant Server 0.00008; 1000 Genomes Project 30x 0.00016; 1000 Genomes Project 0.00020; gnomAD 0.00001 and 0.00002; gnomAD exomes 0.00001 and 0.00002; ExAC 0.00002; TOPMed 0.00003.
gnomAD v4.1: 18 of 1,614,120 alleles (0.0011%); highest among the groups gnomAD compares: Admixed American, 0.005%; no homozygotes.

Submissions (8):

PreventionGenetics, part of Exact Sciences
Classification: Uncertain significance for SDHA-related condition. Last evaluated: 2026-07-20. Review status: criteria provided, single submitter. Criteria: ACMG Guidelines, 2015. Collection method: clinical testing. Allele origin: germline.
Comment: The SDHA c.902A>G variant is predicted to result in the amino acid substitution p.Tyr301Cys. To our knowledge, this variant has not been reported in the literature. This variant is reported in 0.0080% of alleles in individuals of African descent in gnomAD. This variant is interpreted as uncertain in ClinVar (Variation ID: 578770). At this time, the clinical significance of this variant is uncertain due to the absence of conclusive functional and genetic evidence.

Dasa
Classification: Uncertain significance. Last evaluated: 2026-02-05. Review status: criteria provided, single submitter. Criteria: DASA Assertion Criteria. Collection method: clinical testing. Allele origin: germline.
Comment: NM_004168.4(SDHA):c.902A>G (p.Tyr301Cys) is a missense variant that results in the substitution of tyrosine with cysteine. This variant is rare in population databases. Computational prediction algorithms are consistent with a deleterious effect. The currently available literature and clinical evidence are not sufficient to establish a definitive association between this variant and the reported condition. Therefore, this variant is classified as a variant of uncertain significance.

Labcorp Genetics (formerly Invitae), Labcorp
Classification: Uncertain significance for Pheochromocytoma/paraganglioma syndrome 5; Mitochondrial complex II deficiency, nuclear type 1. Last evaluated: 2025-12-24. Review status: criteria provided, single submitter. Criteria: Invitae Variant Classification Sherloc (09022015). Collection method: clinical testing. Allele origin: germline.
Comment: This sequence change replaces tyrosine, which is neutral and polar, with cysteine, which is neutral and slightly polar, at codon 301 of the SDHA protein (p.Tyr301Cys). This variant is present in population databases (rs182055219, gnomAD 0.008%). This variant has not been reported in the literature in individuals affected with SDHA-related conditions. ClinVar contains an entry for this variant (Variation ID: 578770). Invitae Evidence Modeling of protein sequence and biophysical properties (such as structural, functional, and spatial information, amino acid conservation, physicochemical variation, residue mobility, and thermodynamic stability) has been performed for this missense variant. However, the output from this modeling did not meet the statistical confidence thresholds required to predict the impact of this variant on SDHA protein function. In summary, the available evidence is currently insufficient to determine the role of this variant in disease. Therefore, it has been classified as a Variant of Uncertain Significance.

Quest Diagnostics Nichols Institute San Juan Capistrano
Classification: Uncertain significance. Last evaluated: 2025-08-12. Review status: criteria provided, single submitter. Criteria: Quest Diagnostics criteria. Collection method: clinical testing. Allele origin: unknown.
Comment: The SDHA c.902A>G (p.Tyr301Cys) variant has not been reported in individuals with SDHA-related conditions in the published literature. The frequency of this variant in the general population (Genome Aggregation Database) is uninformative in the assessment of its pathogenicity. Analysis of this variant using bioinformatics tools for the prediction of the effect of amino acid changes on protein structure and function yielded predictions that this variant is damaging. Based on the available information, we are unable to determine the clinical significance of this variant.

Ambry Genetics
Classification: Uncertain significance for Hereditary cancer-predisposing syndrome. Last evaluated: 2025-03-03. Review status: criteria provided, single submitter. Criteria: Ambry Variant Classification Scheme 2023. Collection method: clinical testing. Allele origin: germline.
Comment: The p.Y301C variant (also known as c.902A>G), located in coding exon 8 of the SDHA gene, results from an A to G substitution at nucleotide position 902. The tyrosine at codon 301 is replaced by cysteine, an amino acid with highly dissimilar properties. This amino acid position is well conserved in available vertebrate species. In addition, this alteration is predicted to be deleterious by in silico analysis. Since supporting evidence is limited at this time, the clinical significance of this alteration remains unclear.

Baylor Genetics
Classification: Uncertain significance for Dilated cardiomyopathy 1GG. Last evaluated: 2024-03-27. Review status: criteria provided, single submitter. Criteria: ACMG Guidelines, 2015. Collection method: clinical testing. Allele origin: unknown.

GeneDx
Classification: Uncertain significance. Last evaluated: 2024-03-01. Review status: criteria provided, single submitter. Criteria: GeneDx Variant Classification Process June 2021. Collection method: clinical testing. Allele origin: germline. Affected: yes.
Comment: Not observed at significant frequency in large population cohorts (gnomAD); In silico analysis supports that this missense variant has a deleterious effect on protein structure/function; Has not been previously published as pathogenic or benign to our knowledge

Fulgent Genetics
Classification: Uncertain significance for Mitochondrial complex II deficiency, nuclear type 1; Leigh syndrome; Dilated cardiomyopathy 1GG; Pheochromocytoma/paraganglioma syndrome 5. Last evaluated: 2018-10-31. Review status: criteria provided, single submitter. Criteria: ACMG Guidelines, 2015. Collection method: clinical testing. Allele origin: unknown.

NM_004168.4(SDHA):c.902A>G (p.Tyr301Cys)

Gene: SDHA (succinate dehydrogenase complex flavoprotein subunit A; plus strand). Cytogenetic location: 5p15.33.
Variant type: single nucleotide variant.
Coding change: c.902A>G on transcript NM_004168.4 (MANE Select); coding-DNA position 902, A replaced by G.
Protein change: p.Tyr301Cys; replaces tyrosine 301 with cysteine.
Molecular consequence: missense variant.
Genome position (GRCh38, 1-based): chr5:233,483, A>G. VCF-style: chr5-233483-A-G. GRCh37 (hg19) VCF-style: chr5-233598-A-G.
Other names: c.758A>G, p.Tyr253Cys (NM_001294332.2); c.902A>G, p.Tyr301Cys (NM_001330758.2); short protein forms Y301C, Y253C.
Identifiers: ClinVar variation 578770 (VCV000578770.22), dbSNP rs182055219, ClinGen allele CA3173038.
Genomic context (GRCh38, chr5:233,483, plus strand): 5'-TTGAAATAGAGATCTAGCAATTGTTAGGTAATAAATATGTGTGGTTTTTTGCAGGCATAT[A>G]TGGTGCTGGTTGTCTCATTACGGAAGGATGTCGTGGAGAGGGAGGCATTCTCATTAACAG-3'
Protein context (NP_004159.2, residues 291-311): EFVQFHPTGI[Tyr301Cys]GAGCLITEGC